The following is an entry in ClinVar:

NM_000368.5(TSC1):c.2038G>A (p.Gly680Arg)

Gene: TSC1 (TSC complex subunit 1; minus strand). Cytogenetic location: 9q34.13.
Variant type: single nucleotide variant.
Coding change: c.2038G>A on transcript NM_000368.5 (MANE Select); coding-DNA position 2038, G replaced by A.
Protein change: p.Gly680Arg; replaces glycine 680 with arginine.
Molecular consequence: missense variant.
Genome position (GRCh38, 1-based): chr9:132,904,414, C>T on the plus strand (G>A on the coding strand, the complement: TSC1 is on the minus strand). VCF-style: chr9-132904414-C-T. GRCh37 (hg19) VCF-style: chr9-135779801-C-T.
Other names: p.Gly680Arg; c.2035G>A, p.Gly679Arg (NM_001162426.2); c.1885G>A, p.Gly629Arg (NM_001162427.2); c.1675G>A, p.Gly559Arg (NM_001362177.2); short protein forms G680R, G559R, G629R, G679R.
Identifiers: ClinVar variation 466059 (VCV000466059.17), dbSNP rs757322533, ClinGen allele CA030742.
Genomic context (GRCh38, chr9:132,904,414, plus strand): 5'-GCAACAAGCAAGCAGGAACCATGTGGGCTGGATTTGGAGCTAAAGTAACAACTTTACCTC[C>T]AAAGTGGGTCCAGTCGACAGACTTGCTGGGTAAAGGCAACCTAGGAAGAAAGTTTTTGAG-3'
Protein context (NP_000359.1, residues 670-690): PSKSVDWTHF[Gly680Arg]GSPPSDEIRT

ClinVar aggregate classification (germline): Conflicting classifications of pathogenicity. Review status: criteria provided, conflicting classifications (1 of 4 stars). 4 submissions from 4 submitters: Uncertain significance (3); Likely benign (1). Last evaluated 2026-02-03.

Conditions:
Hereditary cancer-predisposing syndrome. Also called: Hereditary neoplastic syndrome; Neoplastic Syndromes, Hereditary; Tumor predisposition; Hereditary Cancer Syndrome. Identifiers: Orphanet 140162, MedGen C0027672, MeSH D009386, MONDO:0015356.
Tuberous sclerosis syndrome (TSC). Also called: Tuberous Sclerosis Complex; Tuberous sclerosis. Identifiers: Orphanet 805, MedGen C0041341, MONDO:0001734.
Tuberous sclerosis 1 (TSC1). Identifiers: Orphanet 805, MedGen C1854465, MONDO:0008612, OMIM 191100.

Allele frequency attached by ClinVar (database versions not stated): TOPMed below 0.00001; gnomAD 0.00001; gnomAD exomes 0.00001; ExAC 0.00002.

Submissions (4):

Labcorp Genetics (formerly Invitae), Labcorp
Classification: Likely benign for Tuberous sclerosis 1. Last evaluated: 2026-02-03. Review status: criteria provided, single submitter. Criteria: Invitae Variant Classification Sherloc (09022015). Collection method: clinical testing. Allele origin: germline.

Mayo Clinic Laboratories, Mayo Clinic
Classification: Uncertain significance. Last evaluated: 2025-01-19. Review status: criteria provided, single submitter. Criteria: ACMG Guidelines, 2015. Collection method: clinical testing. Allele origin: germline. Observed: 1 variant allele.
Comment: PP3

Ambry Genetics
Classification: Uncertain significance for Hereditary cancer-predisposing syndrome. Last evaluated: 2024-07-16. Review status: criteria provided, single submitter. Criteria: Ambry Variant Classification Scheme 2023. Collection method: clinical testing. Allele origin: germline.
Comment: The p.G680R variant (also known as c.2038G>A), located in coding exon 14 of the TSC1 gene, results from a G to A substitution at nucleotide position 2038. The glycine at codon 680 is replaced by arginine, an amino acid with dissimilar properties. This amino acid position is highly conserved in available vertebrate species. In addition, this alteration is predicted to be deleterious by in silico analysis. Based on the available evidence, the clinical significance of this variant remains unclear.

Color Diagnostics, LLC DBA Color Health
Classification: Uncertain significance for Tuberous sclerosis syndrome. Last evaluated: 2023-09-20. Review status: criteria provided, single submitter. Criteria: ACMG Guidelines, 2015. Collection method: clinical testing. Allele origin: germline.
Comment: This missense variant replaces glycine with arginine at codon 680 of the TSC1 protein. Computational prediction suggests that this variant may have deleterious impact on protein structure and function. To our knowledge, functional studies have not been reported for this variant. This variant has not been reported in individuals affected with TSC1-related disorders in the literature. This variant has been identified in 3/251050 chromosomes in the general population by the Genome Aggregation Database (gnomAD). The available evidence is insufficient to determine the role of this variant in disease conclusively. Therefore, this variant is classified as a Variant of Uncertain Significance.